The following is an entry in ClinVar:

NM_003060.4(SLC22A5):c.464del (p.Leu155fs)

Gene: SLC22A5 (solute carrier family 22 member 5; plus strand). Cytogenetic location: 5q31.1.
Variant type: Deletion.
Coding change: c.464del on transcript NM_003060.4 (MANE Select); coding-DNA position 464, one base deleted (T; older notation c.464delT).
Protein change: p.Leu155fs; shifts the reading frame from leucine 155.
Molecular consequence: frameshift variant.
Genome position (GRCh38, 1-based): chr5:132,378,448, T deleted; the last of 2 consecutive T bases (chr5:132,378,447-132,378,448); deleting either gives the same sequence. VCF-style (leftmost placement, unchanged base first): chr5-132378446-GT-G. GRCh37 (hg19) VCF-style: chr5-131714138-GT-G.
Other names: c.536del, p.Leu179fs (NM_001308122.2); short protein forms L155fs, L179fs.
Identifiers: ClinVar variation 4815091 (VCV004815091.1).
Genomic context (GRCh38, chr5:132,378,446, plus strand): 5'-GGTGTGTGAGGACGACTGGAAGGCCCCACTCACAATCTCCTTGTTCTTCGTGGGTGTGCT[GT>G]TGGGCTCCTTCATTTCAGGGCAGCTGTCAGACAGGTAAGGTGTCTGTCTTCTGGAGCACC-3'

ClinVar aggregate classification (germline): Likely pathogenic (1 of 4 stars; one submission).

Conditions:
Carnitine deficiency. Identifiers: MedGen C1142132.

Submission:

Natera, Inc.
Classification: Likely pathogenic for Carnitine deficiency. Last evaluated: 2025-09-03. Review status: criteria provided, single submitter. Criteria: Natera Variant Classification Schema (03/2026). Collection method: clinical testing. Allele origin: germline.
Comment: The c.464del variant in SLC22A5 is a frameshift variant predicted to shift the reading frame beginning at codon 155 and leads to a stop codon 21 codons downstream. This variant is expected to result in nonsense mediated decay, truncation, or a dysfunctional protein product. This variant is rare in the general population with a frequency below the threshold expected for the associated phenotype(s). Given the available evidence, this variant is classified as Likely Pathogenic.